The following is an entry in ClinVar:

NM_002016.2(FLG):c.7267_7268del (p.Gln2423fs)

Genes: CCDST (cervical cancer associated DHX9 suppressive transcript; plus strand), FLG (filaggrin; minus strand). Cytogenetic location: 1q21.3.
Variant type: Deletion.
Coding change: c.7267_7268del on transcript NM_002016.2 (MANE Select); coding-DNA positions 7267 to 7268, 2 bases deleted (CA; older notation c.7267_7268delCA).
Protein change: p.Gln2423fs; shifts the reading frame from glutamine 2423.
Molecular consequence: frameshift variant.
Genome position (GRCh38, 1-based): chr1:152,307,618-152,307,619, TG deleted on the plus strand (CA on the coding strand, the reverse complement: FLG is on the minus strand); deleting any 2 consecutive bases within chr1:152,307,618-152,307,620 gives the same sequence; the c. name uses the placement nearest the transcript's 3' end. VCF-style (leftmost placement, unchanged base first): chr1-152307617-CTG-C. GRCh37 (hg19) VCF-style: chr1-152280093-CTG-C.
Other names: c.7267_7268delCA (NM_002016.1); short protein forms Q2423fs.
Identifiers: ClinVar variation 265476 (VCV000265476.13), dbSNP rs760831749, ClinGen allele CA1104821.

ClinVar aggregate classification (germline): Pathogenic/Likely pathogenic. Review status: criteria provided, multiple submitters, no conflicts (2 of 4 stars). 2 submissions from 2 submitters: Pathogenic (1); Likely pathogenic (1). Last evaluated 2025-12-18.

Conditions:
Ichthyosis vulgaris. Also called: ICHTHYOSIS SIMPLEX; Dominant ichthyosis vulgaris. Identifiers: MedGen C0079584, MONDO:0024304, OMIM 146700.

Submissions (2):

GeneDx
Classification: Pathogenic. Last evaluated: 2025-12-18. Review status: criteria provided, single submitter. Criteria: GeneDx Variant Classification Process June 2021. Collection method: clinical testing. Allele origin: germline. Affected: yes.
Comment: Reported, as 7267delCA, previously in a family with ichthyosis vulgaris (PMID: 17417636); Frameshift variant predicted to result in abnormal protein length as the last 1639 amino acid(s) are replaced with 1 different amino acid(s), and other similar variants have been reported in HGMD; This variant is associated with the following publications: (PMID: 36403663, 17417636, 37200867, 16444271)

Pittsburgh Clinical Genomics Laboratory, University of Pittsburgh Medical Center
Classification: Likely pathogenic for Ichthyosis vulgaris. Last evaluated: 2024-03-15. Review status: criteria provided, single submitter. Criteria: ACMG Guidelines, 2015. Collection method: clinical testing. Allele origin: germline. Inheritance: Autosomal unknown. Affected: yes.
Comment: This sequence variant is a 2 nucleotide deletion at positions 7267 and 7268 of the coding sequence of the FLG gene that results in an early termination signal 2 codons downstream of the frameshift at Gln2423. This variant is expected to truncate the FLG encoded profilaggrin protein, thereby disrupting C terminal domain; loss of the C terminal domain prevents processing profilaggrin into filaggrin monomers, generating a loss of function variant (PMID: 17417636, 22071473). This is a previously reported variant (ClinVar 265476) that has been reported in a study on individuals with ichthyosis vulgaris (PMID: 17417636) and within a peanut allergy cohort (PMID: 36403663). This variant is present in 39 of 403296 alleles (0.0097%) in the gnomAD population dataset. Studies examining the functional consequence of this variant have not been performed, to our knowledge. Based upon the evidence, we consider this variant to be likely pathogenic. ACMG Criteria: PM2, PVS1

Literature cited by the submitters: PubMed 17417636 (cited by Pittsburgh Clinical Genomics Laboratory, University of Pittsburgh Medical Center); PubMed 22071473 (cited by Pittsburgh Clinical Genomics Laboratory, University of Pittsburgh Medical Center); PubMed 36403663 (cited by Pittsburgh Clinical Genomics Laboratory, University of Pittsburgh Medical Center).